The following is an entry in ClinVar:

ClinVar aggregate classification (germline): Uncertain significance. Review status: criteria provided, multiple submitters, no conflicts (2 of 4 stars). 2 submissions from 2 submitters: Uncertain significance (2). Last evaluated 2025-03-30.

Conditions:
Hereditary nonpolyposis colorectal neoplasms. Identifiers: MedGen C0009405, MeSH D003123.
Hereditary cancer-predisposing syndrome. Also called: Neoplastic Syndromes, Hereditary; Hereditary Cancer Syndrome; Hereditary neoplastic syndrome; Tumor predisposition. Identifiers: Orphanet 140162, MedGen C0027672, MeSH D009386, MONDO:0015356.

Allele frequency attached by ClinVar (database versions not stated): ExAC 0.00003.

Submissions (2):

Labcorp Genetics (formerly Invitae), Labcorp
Classification: Uncertain significance for Hereditary nonpolyposis colorectal neoplasms. Last evaluated: 2025-03-30. Review status: criteria provided, single submitter. Criteria: Invitae Variant Classification Sherloc (09022015). Collection method: clinical testing. Allele origin: germline.
Comment: This sequence change replaces aspartic acid, which is acidic and polar, with asparagine, which is neutral and polar, at codon 838 of the PMS2 protein (p.Asp838Asn). The frequency data for this variant in the population databases (gnomAD) is considered unreliable due to the presence of homologous sequence, such as pseudogenes or paralogs, in the genome. This missense change has been observed in individual(s) with Lynch syndrome (PMID: 27601186). ClinVar contains an entry for this variant (Variation ID: 2566082). Invitae Evidence Modeling incorporating data from in vitro experimental studies (internal data) indicates that this missense variant is not expected to disrupt PMS2 function with a negative predictive value of 95%. In summary, the available evidence is currently insufficient to determine the role of this variant in disease. Therefore, it has been classified as a Variant of Uncertain Significance.

Ambry Genetics
Classification: Uncertain significance for Hereditary cancer-predisposing syndrome. Last evaluated: 2023-05-12. Review status: criteria provided, single submitter. Criteria: Ambry Variant Classification Scheme 2023. Collection method: clinical testing. Allele origin: germline.
Comment: The p.D838N variant (also known as c.2512G>A), located in coding exon 15 of the PMS2 gene, results from a G to A substitution at nucleotide position 2512. The aspartic acid at codon 838 is replaced by asparagine, an amino acid with highly similar properties. This amino acid position is conserved. In addition, this alteration is predicted to be tolerated by in silico analysis. Since supporting evidence is limited at this time, the clinical significance of this alteration remains unclear.

Literature cited by the submitters: PubMed 27601186 (cited by Labcorp Genetics (formerly Invitae), Labcorp).

NM_000535.7(PMS2):c.2512G>A (p.Asp838Asn)

Gene: PMS2 (PMS1 homolog 2, mismatch repair system component; minus strand). Cytogenetic location: 7p22.1.
Variant type: single nucleotide variant.
Coding change: c.2512G>A on transcript NM_000535.7 (MANE Select); coding-DNA position 2512, G replaced by A.
Protein change: p.Asp838Asn; replaces aspartic acid 838 with asparagine.
Molecular consequence: missense variant. On other transcripts: non-coding transcript variant (1).
Genome position (GRCh38, 1-based): chr7:5,973,476, C>T on the plus strand (G>A on the coding strand, the complement: PMS2 is on the minus strand). VCF-style: chr7-5973476-C-T. GRCh37 (hg19) VCF-style: chr7-6013107-C-T.
Other names: c.2107G>A, p.Asp703Asn (NM_001018040.1, NM_001322003.2, NM_001322004.2 and 12 more transcripts); c.2356G>A, p.Asp786Asn (NM_001322006.2); c.2194G>A, p.Asp732Asn (NM_001322007.2, NM_001322008.2, NM_001406883.1); c.2140G>A, p.Asp714Asn (NM_001322009.2, NM_001406887.1, NM_001406888.1); c.1951G>A, p.Asp651Asn (NM_001322010.2, NM_001406906.1, NM_001406907.1); c.1579G>A, p.Asp527Asn (NM_001322011.2, NM_001322012.2); c.1939G>A, p.Asp647Asn (NM_001322013.2, NM_001406908.1, NM_001406909.1); c.2545G>A, p.Asp849Asn (NM_001322014.2); and 20 more; short protein forms D581N, D647N, D714N, D732N, D735N, D838N, D900N, D437N.
Identifiers: ClinVar variation 2566082 (VCV002566082.3), dbSNP rs771718736, ClinGen allele CA048690.
Genomic context (GRCh38, chr7:5,973,476, plus strand): 5'-CACCCAGGTTGGCGATGTGTCTCATGGTTGGCCTTCCATGGGGACAGTTCCAGGGGTGGT[C>T]CATCTCCCCCATGTGGGTGATCAGTTTCTTCATCTCGCTTGTGTTAAGAGCAGTCCCAAT-3'
Protein context (NP_000526.2, residues 828-848): KKLITHMGEM[Asp838Asn]HPWNCPHGRP